The following is an entry in ClinVar:

NM_001146.5(ANGPT1):c.639G>C (p.Lys213Asn)

Gene: ANGPT1 (angiopoietin 1; minus strand). Cytogenetic location: 8q23.1.
Variant type: single nucleotide variant.
Coding change: c.639G>C on transcript NM_001146.5 (MANE Select); coding-DNA position 639, G replaced by C.
Protein change: p.Lys213Asn; replaces lysine 213 with asparagine.
Molecular consequence: missense variant.
Genome position (GRCh38, 1-based): chr8:107,322,065, C>G on the plus strand (G>C on the coding strand, the complement: ANGPT1 is on the minus strand). VCF-style: chr8-107322065-C-G. GRCh37 (hg19) VCF-style: chr8-108334293-C-G.
Other names: c.639G>C, p.Lys213Asn (NM_001199859.3); c.39G>C, p.Lys13Asn (NM_001314051.2); short protein forms K13N, K213N.
Identifiers: ClinVar variation 2803040 (VCV002803040.3), dbSNP rs2488252409, ClinGen allele CA372034217.

ClinVar aggregate classification (germline): Uncertain significance (1 of 4 stars; one submission).

Allele frequency attached by ClinVar (database versions not stated): gnomAD exomes below 0.00001.
gnomAD v4.1: 1 of 1,613,926 alleles (0.000062%); highest among the groups gnomAD compares: Non-Finnish European, 0.000085%; no homozygotes.

Submission:

Labcorp Genetics (formerly Invitae), Labcorp
Classification: Uncertain significance. Last evaluated: 2023-12-16. Review status: criteria provided, single submitter. Criteria: Invitae Variant Classification Sherloc (09022015). Collection method: clinical testing. Allele origin: germline.
Comment: This sequence change replaces lysine, which is basic and polar, with asparagine, which is neutral and polar, at codon 213 of the ANGPT1 protein (p.Lys213Asn). This variant is not present in population databases (gnomAD no frequency). This variant has not been reported in the literature in individuals affected with ANGPT1-related conditions. An algorithm developed to predict the effect of missense changes on protein structure and function (PolyPhen-2) suggests that this variant is likely to be disruptive. In summary, the available evidence is currently insufficient to determine the role of this variant in disease. Therefore, it has been classified as a Variant of Uncertain Significance.